The following is an entry in ClinVar:

ClinVar aggregate classification (germline): Uncertain significance (1 of 4 stars; one submission).

gnomAD v4.1: 2 of 1,614,116 alleles (0.00012%); highest among the groups gnomAD compares: Admixed American, 0.0033%; no homozygotes.

Submission:

Labcorp Genetics (formerly Invitae), Labcorp
Classification: Uncertain significance. Last evaluated: 2024-10-13. Review status: criteria provided, single submitter. Criteria: Invitae Variant Classification Sherloc (09022015). Collection method: clinical testing. Allele origin: germline.
Comment: This sequence change replaces asparagine, which is neutral and polar, with serine, which is neutral and polar, at codon 297 of the JAK1 protein (p.Asn297Ser). This variant is not present in population databases (gnomAD no frequency). This variant has not been reported in the literature in individuals affected with JAK1-related conditions. Invitae Evidence Modeling of protein sequence and biophysical properties (such as structural, functional, and spatial information, amino acid conservation, physicochemical variation, residue mobility, and thermodynamic stability) indicates that this missense variant is not expected to disrupt JAK1 protein function with a negative predictive value of 80%. In summary, the available evidence is currently insufficient to determine the role of this variant in disease. Therefore, it has been classified as a Variant of Uncertain Significance.

NM_002227.4(JAK1):c.890A>G (p.Asn297Ser)

Gene: JAK1 (Janus kinase 1; minus strand). Cytogenetic location: 1p31.3.
Variant type: single nucleotide variant.
Coding change: c.890A>G on transcript NM_002227.4 (MANE Select); coding-DNA position 890, A replaced by G.
Protein change: p.Asn297Ser; replaces asparagine 297 with serine.
Molecular consequence: missense variant.
Genome position (GRCh38, 1-based): chr1:64,866,966, T>C on the plus strand (A>G on the coding strand, the complement: JAK1 is on the minus strand). VCF-style: chr1-64866966-T-C. GRCh37 (hg19) VCF-style: chr1-65332649-T-C.
Other names: c.890A>G, p.Asn297Ser (NM_001321854.2, NM_001321855.2, NM_001321856.2 and 4 more transcripts); short protein forms N297S.
Identifiers: ClinVar variation 3606422 (VCV003606422.2).